The following is an entry in ClinVar:

NM_001134363.3(RBM20):c.1259A>G (p.Lys420Arg)

Gene: RBM20 (RNA binding motif protein 20; plus strand). Cytogenetic location: 10q25.2.
Variant type: single nucleotide variant.
Coding change: c.1259A>G on transcript NM_001134363.3 (MANE Select); coding-DNA position 1259, A replaced by G.
Protein change: p.Lys420Arg; replaces lysine 420 with arginine.
Molecular consequence: missense variant.
Genome position (GRCh38, 1-based): chr10:110,781,868, A>G. VCF-style: chr10-110781868-A-G. GRCh37 (hg19) VCF-style: chr10-112541626-A-G.
Other names: short protein forms K420R.
Identifiers: ClinVar variation 180043 (VCV000180043.16), dbSNP rs727505308, ClinGen allele CA185697.

ClinVar aggregate classification (germline): Conflicting classifications of pathogenicity. Review status: criteria provided, conflicting classifications (1 of 4 stars). 4 submissions from 4 submitters: Uncertain significance (3); Likely benign (1). Last evaluated 2025-04-08.

Conditions:
Cardiovascular phenotype. Identifiers: MedGen CN230736.
Dilated cardiomyopathy 1DD (CMD1DD). Identifiers: Orphanet 154, MedGen C2750995, MONDO:0013168, OMIM 613172.

Allele frequency attached by ClinVar (database versions not stated): gnomAD exomes 0.00001; TOPMed 0.00001.
gnomAD v4.1: 4 of 1,551,726 alleles (0.00026%); highest among the groups gnomAD compares: Non-Finnish European, 0.00026%; no homozygotes.

Submissions (4):

Labcorp Genetics (formerly Invitae), Labcorp
Classification: Likely benign for Dilated cardiomyopathy 1DD. Last evaluated: 2025-04-08. Review status: criteria provided, single submitter. Criteria: Invitae Variant Classification Sherloc (09022015). Collection method: clinical testing. Allele origin: germline.

Fulgent Genetics
Classification: Uncertain significance for Dilated cardiomyopathy 1DD. Last evaluated: 2021-09-10. Review status: criteria provided, single submitter. Criteria: ACMG Guidelines, 2015. Collection method: clinical testing. Allele origin: unknown.

Ambry Genetics
Classification: Uncertain significance for Cardiovascular phenotype. Last evaluated: 2020-08-26. Review status: criteria provided, single submitter. Criteria: Ambry Variant Classification Scheme 2023. Collection method: clinical testing. Allele origin: germline.
Comment: The p.K420R variant (also known as c.1259A>G), located in coding exon 2 of the RBM20 gene, results from an A to G substitution at nucleotide position 1259. The lysine at codon 420 is replaced by arginine, an amino acid with highly similar properties. This amino acid position is highly conserved in available vertebrate species. In addition, this alteration is predicted to be tolerated by in silico analysis. Since supporting evidence is limited at this time, the clinical significance of this alteration remains unclear.

Laboratory for Molecular Medicine, Mass General Brigham Personalized Medicine
Classification: Uncertain significance. Last evaluated: 2014-09-30. Review status: criteria provided, single submitter. Criteria: LMM Criteria. Collection method: clinical testing. Allele origin: germline. Observed: 1 variant allele.
Comment: The Lys420Arg variant in RBM20 gene has not been previously reported in individu als with cardiomyopathy or in large population studies. Computational prediction tools and conservation analysis suggest that the Lys420Arg variant may not impa ct the protein, though this information is not predictive enough to rule out pat hogenicity. In summary, the clinical significance of the Lys420Arg variant is un certain.